The following is an entry in ClinVar:

ClinVar aggregate classification (germline): Benign/Likely benign. Review status: criteria provided, multiple submitters, no conflicts (2 of 4 stars). 3 submissions from 3 submitters: Benign (1); Likely benign (2). Last evaluated 2025-04-29.

Conditions:
Hereditary cancer-predisposing syndrome. Also called: Tumor predisposition; Hereditary neoplastic syndrome; Neoplastic Syndromes, Hereditary; Hereditary Cancer Syndrome. Identifiers: Orphanet 140162, MedGen C0027672, MeSH D009386, MONDO:0015356.
Peutz-Jeghers syndrome (PJS). Also called: POLYPOSIS, HAMARTOMATOUS INTESTINAL; POLYPS-AND-SPOTS SYNDROME; Peutz-Jeghers polyposis; Periorificial lentiginosis syndrome. Identifiers: Orphanet 2869, MedGen C0031269, MeSH D010580, MONDO:0008280, OMIM 175200.

Submissions (3):

Labcorp Genetics (formerly Invitae), Labcorp
Classification: Likely benign for Peutz-Jeghers syndrome. Last evaluated: 2025-04-29. Review status: criteria provided, single submitter. Criteria: Invitae Variant Classification Sherloc (09022015). Collection method: clinical testing. Allele origin: germline.

Myriad Genetics, Inc.
Classification: Benign for Peutz-Jeghers syndrome. Last evaluated: 2025-03-27. Review status: criteria provided, single submitter. Criteria: Myriad Autosomal Dominant, Autosomal Recessive and X-Linked Classification Criteria (2023). Collection method: clinical testing. Allele origin: unknown.
Comment: This variant is considered benign. This variant is a silent/synonymous amino acid change and it is not expected to impact splicing.

Ambry Genetics
Classification: Likely benign for Hereditary cancer-predisposing syndrome. Last evaluated: 2018-06-12. Review status: criteria provided, single submitter. Criteria: Ambry Variant Classification Scheme 2023. Collection method: clinical testing. Allele origin: germline.

NM_000455.5(STK11):c.684G>A (p.Leu228=)

Gene: STK11 (serine/threonine kinase 11; plus strand). Cytogenetic location: 19p13.3.
Variant type: single nucleotide variant.
Coding change: c.684G>A on transcript NM_000455.5 (MANE Select); coding-DNA position 684, G replaced by A.
Protein change: p.Leu228=; no amino-acid change (leucine 228 retained).
Molecular consequence: synonymous variant.
Genome position (GRCh38, 1-based): chr19:1,220,667, G>A. VCF-style: chr19-1220667-G-A. GRCh37 (hg19) VCF-style: chr19-1220666-G-A.
Identifiers: ClinVar variation 702396 (VCV000702396.16), dbSNP rs1599926937, ClinGen allele CA504892271.